The following is an entry in ClinVar:

ClinVar aggregate classification (germline): Benign/Likely benign. Review status: criteria provided, multiple submitters, no conflicts (2 of 4 stars). 5 submissions from 4 submitters: Benign (3); Likely benign (1). 1 of the submissions does not count toward it. Last evaluated 2026-02-04.

Conditions:
Hereditary myopathy with lactic acidosis due to ISCU deficiency (HML). Also called: MYOPATHY WITH LACTIC ACIDOSIS, HEREDITARY. Identifiers: Orphanet 43115, MedGen C1850718, MONDO:0009706, OMIM 255125.

Submissions (5):

Labcorp Genetics (formerly Invitae), Labcorp
Classification: Benign. Last evaluated: 2026-02-04. Review status: criteria provided, single submitter. Criteria: Invitae Variant Classification Sherloc (09022015). Collection method: clinical testing. Allele origin: germline.

Blueprint Genetics
Classification: Likely benign. Last evaluated: 2024-11-27. Review status: criteria provided, single submitter. Criteria: ACMG Guidelines, 2015. Collection method: clinical testing. Allele origin: germline.

Genome-Nilou Lab
Classification: Benign for Hereditary myopathy with lactic acidosis due to ISCU deficiency. Last evaluated: 2021-08-19. Review status: criteria provided, single submitter. Criteria: ACMG Guidelines, 2015. Collection method: clinical testing. Allele origin: germline. Affected: no.

GeneDx
Classification: Benign. Last evaluated: 2016-08-15. Review status: criteria provided, single submitter. Criteria: GeneDx Variant Classification Process June 2021. Collection method: clinical testing. Allele origin: germline. Affected: yes.

GeneDx
Classification: Benign. Last evaluated: 2012-06-27. Review status: flagged submission. Criteria: GeneDx Variant Classification (06012015). Collection method: clinical testing. Allele origin: germline. Affected: yes. Not counted in ClinVar's aggregate classification.
Comment: The variant is found in MITONUC-MITOP panel(s).
ClinVar note: Reason: This record appears to be redundant with a more recent record from the same submitter.
ClinVar note: Notes: SCV000251619 appears to be redundant with SCV001835748.

NM_213595.4(ISCU):c.114+17dup

Genes: ISCU (iron-sulfur cluster assembly enzyme; plus strand), LOC130008688 (ATAC-STARR-seq lymphoblastoid silent region 4828; plus strand). Cytogenetic location: 12q23.3.
Variant type: Duplication.
Coding change: c.114+17dup on transcript NM_213595.4 (MANE Select); 17 bases into the intron after coding-DNA position 114, one base duplicated (G; older notation c.114+17dupG).
Molecular consequence: intron variant.
Genome position (GRCh38, 1-based): chr12:108,562,753, G duplicated; the last of 3 consecutive G bases (chr12:108,562,751-108,562,753); duplicating any one gives the same sequence. VCF-style (leftmost placement, unchanged base first): chr12-108562750-A-AG. GRCh37 (hg19) VCF-style: chr12-108956526-A-AG.
Other names: c.-58+17dup (NM_014301.4); c.114+17dup (NM_001320042.1, NM_001301140.1, NM_001301141.1).
Identifiers: ClinVar variation 214554 (VCV000214554.17), dbSNP rs60547936, ClinGen allele CA324464.